The following is an entry in ClinVar:

ClinVar aggregate classification (germline): Uncertain significance. Review status: criteria provided, multiple submitters, no conflicts (2 of 4 stars). 2 submissions from 2 submitters: Uncertain significance (2). Last evaluated 2026-07-22.

Conditions:
Hereditary cancer-predisposing syndrome. Also called: Hereditary Cancer Syndrome; Hereditary neoplastic syndrome; Neoplastic Syndromes, Hereditary; Tumor predisposition. Identifiers: Orphanet 140162, MedGen C0027672, MeSH D009386, MONDO:0015356.
Tuberous sclerosis 1 (TSC1). Identifiers: Orphanet 805, MedGen C1854465, MONDO:0008612, OMIM 191100.

Submissions (2):

Ambry Genetics
Classification: Uncertain significance for Hereditary cancer-predisposing syndrome. Last evaluated: 2026-07-22. Review status: criteria provided, single submitter. Criteria: Ambry Variant Classification Scheme 2023. Collection method: clinical testing. Allele origin: germline.
Comment: The p.L719F variant (also known as c.2155C>T), located in coding exon 15 of the TSC1 gene, results from a C to T substitution at nucleotide position 2155. The leucine at codon 719 is replaced by phenylalanine, an amino acid with highly similar properties. This amino acid position is highly conserved in available vertebrate species. In addition, this alteration is predicted to be deleterious by in silico analysis. Based on the available evidence, the clinical significance of this variant remains unclear.

Labcorp Genetics (formerly Invitae), Labcorp
Classification: Uncertain significance for Tuberous sclerosis 1. Last evaluated: 2025-09-23. Review status: criteria provided, single submitter. Criteria: Invitae Variant Classification Sherloc (09022015). Collection method: clinical testing. Allele origin: germline.
Comment: This sequence change replaces leucine, which is neutral and non-polar, with phenylalanine, which is neutral and non-polar, at codon 719 of the TSC1 protein (p.Leu719Phe). This variant is not present in population databases (gnomAD no frequency). This variant has not been reported in the literature in individuals affected with TSC1-related conditions. ClinVar contains an entry for this variant (Variation ID: 1786805). Invitae Evidence Modeling of protein sequence and biophysical properties (such as structural, functional, and spatial information, amino acid conservation, physicochemical variation, residue mobility, and thermodynamic stability) has been performed for this missense variant. However, the output from this modeling did not meet the statistical confidence thresholds required to predict the impact of this variant on TSC1 protein function. In summary, the available evidence is currently insufficient to determine the role of this variant in disease. Therefore, it has been classified as a Variant of Uncertain Significance.

NM_000368.5(TSC1):c.2155C>T (p.Leu719Phe)

Gene: TSC1 (TSC complex subunit 1; minus strand). Cytogenetic location: 9q34.13.
Variant type: single nucleotide variant.
Coding change: c.2155C>T on transcript NM_000368.5 (MANE Select); coding-DNA position 2155, C replaced by T.
Protein change: p.Leu719Phe; replaces leucine 719 with phenylalanine.
Molecular consequence: missense variant.
Genome position (GRCh38, 1-based): chr9:132,903,704, G>A on the plus strand (C>T on the coding strand, the complement: TSC1 is on the minus strand). VCF-style: chr9-132903704-G-A. GRCh37 (hg19) VCF-style: chr9-135779091-G-A.
Other names: c.1792C>T, p.Leu598Phe (NM_001406614.1, NM_001406615.1, NM_001406616.1 and 5 more transcripts); c.1789C>T, p.Leu597Phe (NM_001406620.1, NM_001406621.1, NM_001406622.1 and 2 more transcripts); c.2152C>T, p.Leu718Phe (NM_001162426.2, NM_001406597.1, NM_001406598.1 and 4 more transcripts); c.2002C>T, p.Leu668Phe (NM_001162427.2, NM_001406610.1); c.2155C>T, p.Leu719Phe (NM_001406592.1, NM_001406593.1, NM_001406594.1 and 5 more transcripts); c.2140C>T, p.Leu714Phe (NM_001406601.1, NM_001406602.1); c.2137C>T, p.Leu713Phe (NM_001406603.1, NM_001406604.1); c.1999C>T, p.Leu667Phe (NM_001406611.1, NM_001406612.1, NM_001406613.1); and 3 more; short protein forms L402F, L667F, L668F, L597F, L718F, L368F, L714F, L719F.
Identifiers: ClinVar variation 1786805 (VCV001786805.5), dbSNP rs2131762009, ClinGen allele CA375360845.